The following is an entry in ClinVar:

ClinVar aggregate classification (germline): Likely pathogenic (1 of 4 stars; one submission).

Submission:

Labcorp Genetics (formerly Invitae), Labcorp
Classification: Likely pathogenic. Last evaluated: 2022-12-06. Review status: criteria provided, single submitter. Criteria: Invitae Variant Classification Sherloc (09022015). Collection method: clinical testing. Allele origin: germline.
Comment: This variant disrupts the p.Gly624 amino acid residue in COL2A1. Other variant(s) that disrupt this residue have been observed in individuals with COL2A1-related conditions (PMID: 15895462), which suggests that this may be a clinically significant amino acid residue. In summary, the currently available evidence indicates that the variant is pathogenic, but additional data are needed to prove that conclusively. Therefore, this variant has been classified as Likely Pathogenic. This variant disrupts the triple helix domain of COL2A1. Glycine residues within the Gly-Xaa-Yaa repeats of the triple helix domain are required for the structure and stability of fibrillar collagens (PMID: 7695699, 8218237, 19344236). In COL2A1, variants affecting these glycine residues are significantly enriched in individuals with disease (PMID: 9016532, 17078022) compared to the general population (ExAC). Advanced modeling of protein sequence and biophysical properties (such as structural, functional, and spatial information, amino acid conservation, physicochemical variation, residue mobility, and thermodynamic stability) performed at Invitae indicates that this missense variant is expected to disrupt COL2A1 protein function. This missense change has been observed in individual(s) with clinical features of autosomal dominant COL2A1-related conditions (Invitae). This variant is not present in population databases (gnomAD no frequency). This sequence change replaces glycine, which is neutral and non-polar, with arginine, which is basic and polar, at codon 624 of the COL2A1 protein (p.Gly624Arg).

Literature cited by the submitters: PubMed 15895462; PubMed 7695699; PubMed 8218237; PubMed 19344236; PubMed 9016532; PubMed 17078022.

NM_001844.5(COL2A1):c.1870G>C (p.Gly624Arg)

Gene: COL2A1 (collagen type II alpha 1 chain; minus strand). Cytogenetic location: 12q13.11.
Variant type: single nucleotide variant.
Coding change: c.1870G>C on transcript NM_001844.5 (MANE Select); coding-DNA position 1870, G replaced by C.
Protein change: p.Gly624Arg; replaces glycine 624 with arginine.
Molecular consequence: missense variant.
Genome position (GRCh38, 1-based): chr12:47,984,563, C>G on the plus strand (G>C on the coding strand, the complement: COL2A1 is on the minus strand). VCF-style: chr12-47984563-C-G. GRCh37 (hg19) VCF-style: chr12-48378346-C-G.
Other names: c.1663G>C, p.Gly555Arg (NM_033150.3); short protein forms G624R, G555R.
Identifiers: ClinVar variation 2023051 (VCV002023051.4), dbSNP rs2540143179, ClinGen allele CA384549364.